The following is an entry in ClinVar:

NM_006767.4(LZTR1):c.96T>C (p.His32=)

Genes: LZTR1 (leucine zipper like post translational regulator 1; plus strand), LOC130067016 (ATAC-STARR-seq lymphoblastoid silent region 13504; plus strand). Cytogenetic location: 22q11.21.
Variant type: single nucleotide variant.
Coding change: c.96T>C on transcript NM_006767.4 (MANE Select); coding-DNA position 96, T replaced by C.
Protein change: p.His32=; no amino-acid change (histidine 32 retained).
Molecular consequence: synonymous variant.
Genome position (GRCh38, 1-based): chr22:20,982,467, T>C. VCF-style: chr22-20982467-T-C. GRCh37 (hg19) VCF-style: chr22-21336756-T-C.
Identifiers: ClinVar variation 704250 (VCV000704250.39), dbSNP rs372440263, ClinGen allele CA10118281.

ClinVar aggregate classification (germline): Benign/Likely benign. Review status: criteria provided, multiple submitters, no conflicts (2 of 4 stars). 8 submissions from 8 submitters: Benign (1); Likely benign (7). Last evaluated 2026-01-23.

Conditions:
Noonan syndrome 10 (NS10). Identifiers: Orphanet 648, MedGen C4225280, MONDO:0014693, OMIM 616564.
Noonan syndrome 2 (NS2). Identifiers: Orphanet 648, MedGen C1854469, MONDO:0011531, OMIM 605275.
LZTR1-related schwannomatosis. Also called: Schwannomatosis 2; Schwannomatosis-2, susceptibility to. Identifiers: Orphanet 93921, MedGen C3810283, MONDO:0014299, OMIM 615670.
Noonan syndrome and Noonan-related syndrome. Identifiers: Orphanet 98733, MedGen C5681679, MONDO:0020297.
Hereditary cancer-predisposing syndrome. Also called: Neoplastic Syndromes, Hereditary; Tumor predisposition; Hereditary Cancer Syndrome; Hereditary neoplastic syndrome. Identifiers: Orphanet 140162, MedGen C0027672, MeSH D009386, MONDO:0015356.
Cardiovascular phenotype. Identifiers: MedGen CN230736.

Allele frequency attached by ClinVar (database versions not stated): gnomAD exomes 0.00012 and 0.00019; gnomAD 0.00015; TOPMed 0.00015; ExAC 0.00018; 1000 Genomes Project 0.00020; ESP Exome Variant Server 0.00023.
gnomAD v4.1: 318 of 1,608,924 alleles (0.02%); highest among the groups gnomAD compares: Non-Finnish European, 0.024%; no homozygotes.

Submissions (8):

Labcorp Genetics (formerly Invitae), Labcorp
Classification: Likely benign. Last evaluated: 2026-01-23. Review status: criteria provided, single submitter. Criteria: Invitae Variant Classification Sherloc (09022015). Collection method: clinical testing. Allele origin: germline.

CeGaT Center for Human Genetics Tuebingen
Classification: Likely benign. Last evaluated: 2024-08-01. Review status: criteria provided, single submitter. Criteria: CeGaT Center For Human Genetics Tuebingen Variant Classification Criteria Version 2. Collection method: clinical testing. Allele origin: germline. Affected: yes. Observed: 3 variant alleles.
Comment: LZTR1: BP4, BP7

Blueprint Genetics
Classification: Likely benign. Last evaluated: 2023-07-11. Review status: criteria provided, single submitter. Criteria: ACMG Guidelines, 2015. Collection method: clinical testing. Allele origin: germline.

Department of Pathology and Laboratory Medicine, Sinai Health System
Classification: Likely benign for Noonan syndrome 2; LZTR1-related schwannomatosis; Noonan syndrome 10. Last evaluated: 2023-02-02. Review status: criteria provided, single submitter. Criteria: ACMG Guidelines, 2015. Collection method: clinical testing. Allele origin: germline. Affected: yes.

Women's Health and Genetics/Laboratory Corporation of America, LabCorp
Classification: Benign. Last evaluated: 2020-12-06. Review status: criteria provided, single submitter. Criteria: LabCorp Variant Classification Summary - May 2015. Collection method: clinical testing. Allele origin: germline.

GeneDx
Classification: Likely benign. Last evaluated: 2020-10-14. Review status: criteria provided, single submitter. Criteria: GeneDx Variant Classification Process June 2021. Collection method: clinical testing. Allele origin: germline. Affected: yes.

Ambry Genetics
Classification: Likely benign for Cardiovascular phenotype; Hereditary cancer-predisposing syndrome. Last evaluated: 2020-08-25. Review status: criteria provided, single submitter. Criteria: Ambry Variant Classification Scheme 2023. Collection method: clinical testing. Allele origin: germline.

Genome Diagnostics Laboratory, The Hospital for Sick Children
Classification: Likely benign for Noonan syndrome and Noonan-related syndrome. Last evaluated: 2020-07-01. Review status: criteria provided, single submitter. Criteria: ACMG Guidelines, 2015. Collection method: clinical testing. Allele origin: germline.